The following is an entry in ClinVar:

ClinVar aggregate classification (germline): Uncertain significance (1 of 4 stars; one submission).

Allele frequency attached by ClinVar (database versions not stated): gnomAD exomes below 0.00001; gnomAD 0.00001; TOPMed 0.00001.
gnomAD v4.1: 3 of 1,599,416 alleles (0.00019%); highest among the groups gnomAD compares: African/African-American, 0.0027%; no homozygotes.

Submission:

Labcorp Genetics (formerly Invitae), Labcorp
Classification: Uncertain significance. Last evaluated: 2024-03-25. Review status: criteria provided, single submitter. Criteria: Invitae Variant Classification Sherloc (09022015). Collection method: clinical testing. Allele origin: germline.
Comment: This sequence change replaces lysine, which is basic and polar, with glutamine, which is neutral and polar, at codon 315 of the NFKB1 protein (p.Lys315Gln). This variant is not present in population databases (gnomAD no frequency). This variant has not been reported in the literature in individuals affected with NFKB1-related conditions. Advanced modeling of protein sequence and biophysical properties (such as structural, functional, and spatial information, amino acid conservation, physicochemical variation, residue mobility, and thermodynamic stability) performed at Invitae indicates that this missense variant is expected to disrupt NFKB1 protein function with a positive predictive value of 80%. In summary, the available evidence is currently insufficient to determine the role of this variant in disease. Therefore, it has been classified as a Variant of Uncertain Significance.

NM_003998.4(NFKB1):c.943A>C (p.Lys315Gln)

Gene: NFKB1 (nuclear factor kappa B subunit 1; plus strand). Cytogenetic location: 4q24.
Variant type: single nucleotide variant.
Coding change: c.943A>C on transcript NM_003998.4 (MANE Select); coding-DNA position 943, A replaced by C.
Protein change: p.Lys315Gln; replaces lysine 315 with glutamine.
Molecular consequence: missense variant.
Genome position (GRCh38, 1-based): chr4:102,584,697, A>C. VCF-style: chr4-102584697-A-C. GRCh37 (hg19) VCF-style: chr4-103505854-A-C.
Other names: c.940A>C, p.Lys314Gln (NM_001165412.2, NM_001319226.2, NM_001382627.1); c.943A>C, p.Lys315Gln (NM_001382625.1, NM_001382626.1); c.901A>C, p.Lys301Gln (NM_001382628.1); short protein forms K315Q, K301Q, K314Q.
Identifiers: ClinVar variation 2881128 (VCV002881128.3), dbSNP rs1419437025, ClinGen allele CA357960803.
Genomic context (GRCh38, chr4:102,584,697, plus strand): 5'-AAAAATGTAGTCCTACACCAACATGTGGTTCTTCGTATCCTGCAGTTTGCCATTGTCTTC[A>C]AAACTCCAAAGTATAAAGATATTAATATTACAAAACCAGCCTCTGTGTTTGTCCAGCTTC-3'
Protein context (NP_003989.2, residues 305-325): DVHRQFAIVF[Lys315Gln]TPKYKDINIT